The following is an entry in ClinVar:

NM_014159.7(SETD2):c.2958A>G (p.Glu986=)

Gene: SETD2 (SET domain containing 2, histone lysine methyltransferase; minus strand). Cytogenetic location: 3p21.31.
Variant type: single nucleotide variant.
Coding change: c.2958A>G on transcript NM_014159.7 (MANE Select); coding-DNA position 2958, A replaced by G.
Protein change: p.Glu986=; no amino-acid change (glutamic acid 986 retained).
Molecular consequence: synonymous variant. On other transcripts: non-coding transcript variant (1).
Genome position (GRCh38, 1-based): chr3:47,121,678, T>C on the plus strand (A>G on the coding strand, the complement: SETD2 is on the minus strand). VCF-style: chr3-47121678-T-C. GRCh37 (hg19) VCF-style: chr3-47163168-T-C.
Other names: c.2826A>G, p.Glu942= (NM_001349370.3).
Identifiers: ClinVar variation 4681759 (VCV004681759.5).

ClinVar aggregate classification (germline): Likely benign (1 of 4 stars; one submission).

gnomAD v4.1: 7 of 1,614,046 alleles (0.00043%); highest among the groups gnomAD compares: Non-Finnish European, 0.00051%; no homozygotes.

Submission:

CeGaT Center for Human Genetics Tuebingen
Classification: Likely benign. Last evaluated: 2025-12-01. Review status: criteria provided, single submitter. Criteria: CeGaT Center For Human Genetics Tuebingen Variant Classification Criteria Version 2. Collection method: clinical testing. Allele origin: germline. Affected: yes. Observed: 1 variant allele.
Comment: SETD2: BP4, BP7